The following is an entry in ClinVar:

ClinVar aggregate classification (germline): Conflicting classifications of pathogenicity. Review status: criteria provided, conflicting classifications (1 of 4 stars). 19 submissions from 19 submitters: Pathogenic (4); Likely pathogenic (6); Uncertain significance (8). 1 of the submissions does not count toward it. Last evaluated 2026-06-29.

Conditions:
Fetal anomalies with a likely genetic cause.
BTD-related disorder. Also called: BTD-related condition.
Inborn genetic diseases. Identifiers: MedGen C0950123, MeSH D030342.
Biotinidase deficiency. Also called: Biotin deficiency; BTD deficiency; Late-onset biotin-responsive multiple carboxylase deficiency. Identifiers: Orphanet 79241, MedGen C0220754, MONDO:0009665, OMIM 253260.

Allele frequency attached by ClinVar (database versions not stated): gnomAD exomes 0.00100 and 0.00205; TOPMed 0.00008; gnomAD 0.00049 and 0.00003; ExAC 0.00232; 1000 Genomes Project 0.00479; 1000 Genomes Project 30x 0.00437.
gnomAD v4.1: 1,537 of 1,614,216 alleles (0.095%); highest among the groups gnomAD compares: South Asian, 1.6%; 24 homozygotes.

Submissions 1 to 10 of 19:

Genetics Laboratory, Great Ormond Street Hospital NHS Foundation Trust, North Thames Genomic Laboratory Hub
Classification: Uncertain significance for Fetal anomalies with a likely genetic cause. Last evaluated: 2026-06-29. Review status: criteria provided, single submitter. Criteria: ACGS Best Practice Guidelines for Variant Classification in Rare Disease 2024 v1.2. Collection method: clinical testing. Allele origin: germline. Affected: yes.
Comment: PP3_supporting, PM3_moderate, PP4_moderate

Women's Health and Genetics/Laboratory Corporation of America, LabCorp
Classification: Uncertain significance. Last evaluated: 2026-02-09. Review status: criteria provided, single submitter. Criteria: LabCorp Variant Classification Summary - May 2015. Collection method: clinical testing. Allele origin: germline.
Comment: Variant summary: BTD c.908A>G (p.His303Arg) results in a non-conservative amino acid change in the encoded protein sequence. Algorithms developed to predict the effect of missense changes on protein structure and function all suggest that this variant is likely to be disruptive. The variant allele was found at a frequency of 0.0021 in 251360 control chromosomes in the gnomAD database, including 8 homozygotes. This frequency is not significantly higher than estimated for disease-causing variants in BTD, allowing no conclusion about variant significance. c.908A>G has been observed in individuals affected with partial or mild Biotinidase Deficiency (Swango_1998, Al-Jasmi_2016, Mardhiah_2020, Karaoglan_2020, Forny_2022, Sharma_2024, Yilmaz_2024, Ortolano_2025). These reports do not provide unequivocal conclusions about association of the variant with Biotinidase Deficiency. To our knowledge, no experimental evidence demonstrating an impact on protein function has been reported. The following publications have been ascertained in the context of this evaluation (PMID: 26589311, 35195902, 33217065, 32300527, 41002989, 38299772, 9654207, 38141137). ClinVar contains an entry for this variant (Variation ID: 38278). Based on the evidence outlined above, the variant was classified as uncertain significance.

PreventionGenetics, part of Exact Sciences
Classification: Likely pathogenic for BTD-related condition. Last evaluated: 2025-10-23. Review status: criteria provided, single submitter. Criteria: ACMG Guidelines, 2015. Collection method: clinical testing. Allele origin: germline.
Comment: The BTD c.968A>G variant is predicted to result in the amino acid substitution p.His323Arg. This variant was identified in the compound heterozygous state in patients with partial biotinidase deficiency (Swango et al. 1998. PubMed ID: 9654207; Li et al. 2014. PubMed ID: 24797656; Gannavarapu et al. 2015. PubMed ID: 26361991; Al-Jasmi et al. 2016. PubMed ID: 26589311). It was noted that patients with partial biotinidase deficiency are usually asymptomatic unless under high stress (Swango et al. 1998. PubMed ID: 9654207). It was also identified in an individual who screened positive for biotinidase deficiency, but who had close to normal enzymatic activity (Table 2, Wiltink et al. 2016. PubMed ID: 27329734). This variant is observed with a population frequency up to ~1.8% (including 8 homozygotes, South Asian population) in gnomAD, and has conflicting interpretations in ClinVar ranging from uncertain to pathogenic (Variation ID: 38278). Of note, a well-documented pathogenic variant in the BTD gene (c.1330G>C) also results in partial enzyme deficiency (Al-Jasmi et al. 2016. PubMed ID: 26589311; Wolf et al. 2012. PubMed ID: 22241090). Based on these observations, the c.968A>G variant is interpreted as likely pathogenic.

Foundation for Research in Genetics and Endocrinology, FRIGE's Institute of Human Genetics
Classification: Likely pathogenic for Biotinidase deficiency. Last evaluated: 2025-09-16. Review status: criteria provided, single submitter. Criteria: ACMG Guidelines, 2015. Collection method: clinical testing. Allele origin: germline. Inheritance: Autosomal recessive inheritance. Affected: yes. Observed: 1 variant allele, 1 compound heterozygote.
Comment: A heterozygous variant c.908A>G (p.His303Arg) in exon 4 of the BTD gene was detected. This variant results in the substitution of histidine by arginine at codon 303. In summary, the variant meets our criteria to be classified as likely pathogenic.

Victorian Clinical Genetics Services, Murdoch Childrens Research Institute
Classification: Pathogenic for Biotinidase deficiency. Last evaluated: 2025-08-08. Review status: criteria provided, single submitter. Criteria: ACMG Guidelines, 2015. Collection method: clinical testing. Allele origin: germline. Affected: no.
Comment: This variant is classified as Pathogenic. Evidence in support of pathogenic classification: This variant has strong previous evidence of pathogenicity in unrelated individuals. This variant has been observed in multiple individuals with a second reported BTD variant (phasing unclear), who were affected with partial biotinidase deficiency (10-30% of normal BTD enzymatic activity) (PMIDs: 35195902, 9654207, 26361991, 32300527, 38141137, 27329734). This variant has also been reported as likely pathogenic/pathogenic and as a VUS by clinical laboratories in ClinVar. Additional information: Variant is predicted to result in a missense amino acid change from histidine to arginine; This variant is heterozygous; This gene is associated with autosomal recessive disease; Variant is present in gnomAD (v4) >=0.01 and <0.03 for a recessive condition (1489 heterozygotes, 24 homozygotes); No comparable missense variants have previous evidence for pathogenicity; Variant is located in the annotated biotinidase_like domain (NCBI); Missense variant with conflicting in silico predictions and high conservation; Loss of function is a known mechanism of disease in this gene and is associated with biotinidase deficiency (MIM#253260); Variants in this gene are known to have variable expressivity. The condition associated with this gene is known to range from partial, with milder symptoms and later onset, to profound, with more severe symptoms and earlier onset. Also, individuals with the same genotype have been observed to have different clinical and biochemical phenotypes (PMIDs: 20301497, 28498829).

Variantyx, Inc.
Classification: Likely pathogenic for Biotinidase deficiency. Last evaluated: 2025-03-04. Review status: criteria provided, single submitter. Criteria: Variantyx Assertion Criteria 2022. Collection method: clinical testing. Allele origin: germline.
Comment: This is a nonsynonymous variant in the BTD gene (OMIM: 609019). Pathogenic variants in this gene have been associated with autosomal recessive biotinidase deficiency. This variant has been identified in the homozygous or compound heterozygous state in at least 6 individual(s) from the published literature (PMID: 9654207, 24797656, 26361991, 27329734, 35195902, 32300527) (PM3_Strong). Functional studies have shown that this variant partially alters BTD protein function (PMID: 9654207, 26361991) (PS3_Moderate). Multiple computational algorithms predict a deleterious effect for this variant (REVEL score: 0.817) (PP3_Moderate). This variant has a 1.5920% maximum allele frequency in non-founder control populations. Based on the current evidence, this variant is classified as a likely pathogenic hypomorphic allele for autosomal recessive biotinidase deficiency.

GeneDx
Classification: Pathogenic. Last evaluated: 2024-11-06. Review status: criteria provided, single submitter. Criteria: GeneDx Variant Classification Process June 2021. Collection method: clinical testing. Allele origin: germline. Affected: yes.
Comment: The phenotype of individuals homozygous for p.(H303R) is unclear, as it is observed in apparent homozygous state in multiple unrelated individuals in large population cohorts (gnomAD) and healthy adult individuals tested at GeneDx; In silico analysis supports that this missense variant has a deleterious effect on protein structure/function; Also known as c.968A>G; p.(H323R); This variant is associated with the following publications: (PMID: 31191208, 24066991, 27535533, 28498829, 27657684, 27014582, 26810761, 22698809, 9654207, 26361991, 11668630, 32300527, 36684547, 35195902, 27329734, 17382128, 24797656)

Molecular Genetics Laboratory, BC Children's and BC Women's Hospitals
Classification: Likely pathogenic for Biotinidase deficiency. Last evaluated: 2024-08-27. Review status: criteria provided, single submitter. Criteria: ACMG Guidelines, 2015. Collection method: clinical testing. Allele origin: maternal. Affected: yes.

Revvity Omics, Revvity
Classification: Uncertain significance for Biotinidase deficiency. Last evaluated: 2024-01-05. Review status: criteria provided, single submitter. Criteria: ACMG Guidelines, 2015. Collection method: clinical testing. Allele origin: germline.

CeGaT Center for Human Genetics Tuebingen
Classification: Likely pathogenic. Last evaluated: 2022-12-01. Review status: criteria provided, single submitter. Criteria: CeGaT Center For Human Genetics Tuebingen Variant Classification Criteria Version 2. Collection method: clinical testing. Allele origin: germline. Affected: yes. Observed: 1 variant allele.
Comment: BTD: PM2, PM3, PP4:Moderate

NM_001370658.1(BTD):c.908A>G (p.His303Arg)

Gene: BTD (biotinidase; plus strand). Cytogenetic location: 3p25.1.
Variant type: single nucleotide variant.
Coding change: c.908A>G on transcript NM_001370658.1 (MANE Select); coding-DNA position 908, A replaced by G.
Protein change: p.His303Arg; replaces histidine 303 with arginine.
Molecular consequence: missense variant. On other transcripts: intron variant (6).
Genome position (GRCh38, 1-based): chr3:15,644,824, A>G. VCF-style: chr3-15644824-A-G. GRCh37 (hg19) VCF-style: chr3-15686331-A-G.
Other names: H323R; p.His303Arg; c.908A>G, p.His303Arg (NM_001407370.1, NM_001407371.1, NM_001407372.1 and 18 more transcripts); c.908A>G (NM_001323582.1); c.968A>G, p.His323Arg (NM_000060.4); c.399+2767A>G (NM_001370753.1, NM_001407400.1, NM_001407380.1 and 3 more transcripts); short protein forms H303R.
Identifiers: ClinVar variation 38278 (VCV000038278.66), dbSNP rs397507176, ClinGen allele CA220339.